The following is an entry in ClinVar:

NM_021930.6(RINT1):c.412G>C (p.Ala138Pro)

Gene: RINT1 (RAD50 interactor 1; plus strand). Cytogenetic location: 7q22.3.
Variant type: single nucleotide variant.
Coding change: c.412G>C on transcript NM_021930.6 (MANE Select); coding-DNA position 412, G replaced by C.
Protein change: p.Ala138Pro; replaces alanine 138 with proline.
Molecular consequence: missense variant. On other transcripts: 5 prime UTR variant (3), non-coding transcript variant (1).
Genome position (GRCh38, 1-based): chr7:105,542,546, G>C. VCF-style: chr7-105542546-G-C. GRCh37 (hg19) VCF-style: chr7-105182993-G-C.
Other names: c.178G>C, p.Ala60Pro (NM_001346599.2); c.-608G>C (NM_001346600.2); c.-511G>C (NM_001346601.2); c.-131G>C (NM_001346603.2); short protein forms A138P, A60P.
Identifiers: ClinVar variation 2448437 (VCV002448437.3), dbSNP rs760885620, ClinGen allele CA368803497.

ClinVar aggregate classification (germline): Uncertain significance (1 of 4 stars; one submission).

Allele frequency attached by ClinVar (database versions not stated): TOPMed below 0.00001.

Submission:

Ambry Genetics
Classification: Uncertain significance. Last evaluated: 2025-12-07. Review status: criteria provided, single submitter. Criteria: Ambry Variant Classification Scheme 2023. Collection method: clinical testing. Allele origin: germline.
Comment: The p.A138P variant (also known as c.412G>C), located in coding exon 4 of the RINT1 gene, results from a G to C substitution at nucleotide position 412. The alanine at codon 138 is replaced by proline, an amino acid with highly similar properties. This amino acid position is conserved. In addition, this alteration is predicted to be tolerated by in silico analysis. Since supporting evidence is limited at this time, the clinical significance of this alteration remains unclear.